The following is an entry in ClinVar:

ClinVar aggregate classification (germline): Uncertain significance (1 of 4 stars; one submission).

Conditions:
Inborn genetic diseases. Identifiers: MedGen C0950123, MeSH D030342.

gnomAD v4.1: 7 of 1,612,500 alleles (0.00043%); highest among the groups gnomAD compares: Non-Finnish European, 0.00059%; no homozygotes.

Submission:

Ambry Genetics
Classification: Uncertain significance for Inborn genetic diseases. Last evaluated: 2026-06-08. Review status: criteria provided, single submitter. Criteria: Ambry Variant Classification Scheme 2023. Collection method: clinical testing. Allele origin: germline.
Comment: The p.S1061T variant (also known as c.3182G>C), located in coding exon 31 of the RTEL1 gene, results from a G to C substitution at nucleotide position 3182. The serine at codon 1061 is replaced by threonine, an amino acid with similar properties. This amino acid position is conserved. In addition, this alteration is predicted to be tolerated by in silico analysis. Based on the available evidence, the clinical significance of this variant remains unclear.

NM_001283009.2(RTEL1):c.3182G>C (p.Ser1061Thr)

Genes: RTEL1 (regulator of telomere elongation helicase 1; plus strand), RTEL1-TNFRSF6B (RTEL1-TNFRSF6B readthrough (NMD candidate); plus strand). Cytogenetic location: 20q13.33.
Variant type: single nucleotide variant.
Coding change: c.3182G>C on transcript NM_001283009.2 (MANE Select); coding-DNA position 3182, G replaced by C.
Protein change: p.Ser1061Thr; replaces serine 1061 with threonine.
Molecular consequence: missense variant. On other transcripts: non-coding transcript variant (1).
Genome position (GRCh38, 1-based): chr20:63,694,813, G>C. VCF-style: chr20-63694813-G-C. GRCh37 (hg19) VCF-style: chr20-62326166-G-C.
Other names: c.2513G>C, p.Ser838Thr (NM_001283010.1); c.3182G>C, p.Ser1061Thr (NM_016434.4); c.3254G>C, p.Ser1085Thr (NM_032957.5); short protein forms S1061T, S1085T, S838T.
Identifiers: ClinVar variation 4863615 (VCV004863615.1).